The following is an entry in ClinVar:

NM_138413.4(HOGA1):c.814C>G (p.Leu272Val)

Gene: HOGA1 (4-hydroxy-2-oxoglutarate aldolase 1; plus strand). Cytogenetic location: 10q24.2.
Variant type: single nucleotide variant.
Coding change: c.814C>G on transcript NM_138413.4 (MANE Select); coding-DNA position 814, C replaced by G.
Protein change: p.Leu272Val; replaces leucine 272 with valine.
Molecular consequence: missense variant.
Genome position (GRCh38, 1-based): chr10:97,601,970, C>G. VCF-style: chr10-97601970-C-G. GRCh37 (hg19) VCF-style: chr10-99361727-C-G.
Other names: c.325C>G, p.Leu109Val (NM_001134670.2); short protein forms L109V, L272V.
Identifiers: ClinVar variation 2664405 (VCV002664405.1), dbSNP rs2540078331, ClinGen allele CA377981743.

ClinVar aggregate classification (germline): Likely pathogenic (1 of 4 stars; one submission).

Conditions:
Primary hyperoxaluria type 3. Also called: PH III. Identifiers: Orphanet 416, Orphanet 93600, MedGen C3150878, MONDO:0013327, OMIM 613616. Disease mechanism: loss of function.

Submission:

Clinical Biochemistry Laboratory, Health Services Laboratory
Classification: Likely pathogenic for Primary hyperoxaluria type 3. Last evaluated: 2023-10-27. Review status: criteria provided, single submitter. Criteria: ACMG Guidelines, 2015. Collection method: curation. Allele origin: germline. Affected: yes.
Comment: ACMG:PM1 PM2 PM3 PP4 BP1

Literature cited by the submitters: PubMed 3386585.